The following is an entry in ClinVar:

NM_016169.4(SUFU):c.1296+5G>A

Gene: SUFU (SUFU negative regulator of hedgehog signaling; plus strand). Cytogenetic location: 10q24.32.
Variant type: single nucleotide variant.
Coding change: c.1296+5G>A on transcript NM_016169.4 (MANE Select); 5 bases into the intron after coding-DNA position 1296, G replaced by A.
Molecular consequence: intron variant.
Genome position (GRCh38, 1-based): chr10:102,617,433, G>A. VCF-style: chr10-102617433-G-A. GRCh37 (hg19) VCF-style: chr10-104377190-G-A.
Other names: c.1296+5G>A (NM_001178133.2).
Identifiers: ClinVar variation 2942320 (VCV002942320.3), dbSNP rs2492791028, ClinGen allele CA377916748.

ClinVar aggregate classification (germline): Uncertain significance (1 of 4 stars; one submission).

Conditions:
Gorlin syndrome. Also called: Nevoid Basal Cell Carcinoma Syndrome; Basal cell nevus syndrome. Identifiers: Orphanet 377, MedGen C0004779, MONDO:0007187.
Medulloblastoma (MDB). Also called: MEDULLOBLASTOMA PREDISPOSITION SYNDROME; Medulloblastoma, somatic. Identifiers: Orphanet 616, MedGen C0025149, MeSH D008527, MONDO:0007959, OMIM 155255, HP:0002885.

Allele frequency attached by ClinVar (database versions not stated): gnomAD exomes below 0.00001.
gnomAD v4.1: 1 of 1,614,236 alleles (0.000062%); highest among the groups gnomAD compares: Non-Finnish European, 0.000085%; no homozygotes.

Submission:

Labcorp Genetics (formerly Invitae), Labcorp
Classification: Uncertain significance for Gorlin syndrome; Medulloblastoma. Last evaluated: 2022-12-15. Review status: criteria provided, single submitter. Criteria: Invitae Variant Classification Sherloc (09022015). Collection method: clinical testing. Allele origin: germline.
Comment: In summary, the available evidence is currently insufficient to determine the role of this variant in disease. Therefore, it has been classified as a Variant of Uncertain Significance. Variants that disrupt the consensus splice site are a relatively common cause of aberrant splicing (PMID: 17576681, 9536098). Algorithms developed to predict the effect of sequence changes on RNA splicing suggest that this variant may disrupt the consensus splice site. This variant has not been reported in the literature in individuals affected with SUFU-related conditions. This variant is not present in population databases (gnomAD no frequency). This sequence change falls in intron 10 of the SUFU gene. It does not directly change the encoded amino acid sequence of the SUFU protein. It affects a nucleotide within the consensus splice site.

Literature cited by the submitters: PubMed 17576681; PubMed 9536098.